The following is an entry in ClinVar:

NM_005546.4(ITK):c.244-8G>A

Gene: ITK (IL2 inducible T cell kinase; plus strand). Cytogenetic location: 5q33.3.
Variant type: single nucleotide variant.
Coding change: c.244-8G>A on transcript NM_005546.4 (MANE Select); 8 bases into the intron before coding-DNA position 244, G replaced by A.
Molecular consequence: intron variant.
Genome position (GRCh38, 1-based): chr5:157,211,279, G>A. VCF-style: chr5-157211279-G-A. GRCh37 (hg19) VCF-style: chr5-156638290-G-A.
Identifiers: ClinVar variation 352459 (VCV000352459.20), dbSNP rs199759038, ClinGen allele CA3532686.

ClinVar aggregate classification (germline): Benign/Likely benign. Review status: criteria provided, multiple submitters, no conflicts (2 of 4 stars). 5 submissions from 5 submitters: Benign (3); Likely benign (2). Last evaluated 2026-04-20.

Conditions:
Lymphoproliferative syndrome 1 (LPFS1). Identifiers: Orphanet 238505, Orphanet 538963, MedGen C3552634, MONDO:0013081, OMIM 613011.
Autoinflammatory syndrome. Identifiers: Orphanet 93665, MedGen C3890737, MONDO:0019751.

Allele frequency attached by ClinVar (database versions not stated): gnomAD 0.00002 and 0.00040; ESP Exome Variant Server 0.00008; TOPMed 0.00009; gnomAD exomes 0.00074 and 0.00162; ExAC 0.00176; 1000 Genomes Project 0.00260; 1000 Genomes Project 30x 0.00265.
gnomAD v4.1: 1,152 of 1,611,858 alleles (0.071%); highest among the groups gnomAD compares: South Asian, 1.2%; 12 homozygotes.

Submissions (5):

Women's Health and Genetics/Laboratory Corporation of America, LabCorp
Classification: Benign. Last evaluated: 2026-04-20. Review status: criteria provided, single submitter. Criteria: LabCorp Variant Classification Summary - May 2015. Collection method: clinical testing. Allele origin: germline.

Labcorp Genetics (formerly Invitae), Labcorp
Classification: Benign for Lymphoproliferative syndrome 1. Last evaluated: 2026-01-24. Review status: criteria provided, single submitter. Criteria: Invitae Variant Classification Sherloc (09022015). Collection method: clinical testing. Allele origin: germline.

Blueprint Genetics
Classification: Likely benign. Last evaluated: 2024-11-22. Review status: criteria provided, single submitter. Criteria: ACMG Guidelines, 2015. Collection method: clinical testing. Allele origin: germline.

Genome Diagnostics Laboratory, The Hospital for Sick Children
Classification: Likely benign for Autoinflammatory syndrome. Last evaluated: 2020-03-01. Review status: criteria provided, single submitter. Criteria: ACMG Guidelines, 2015. Collection method: clinical testing. Allele origin: germline. Affected: yes.

Illumina Laboratory Services, Illumina
Classification: Benign for Lymphoproliferative syndrome 1. Last evaluated: 2018-01-13. Review status: criteria provided, single submitter. Criteria: ICSL Variant Classification Criteria 13 December 2019. Collection method: clinical testing. Allele origin: germline.
Comment: This variant was observed in the ICSL laboratory as part of a predisposition screen in an ostensibly healthy population. It had not been previously curated by ICSL or reported in the Human Gene Mutation Database (HGMD: prior to June 1st, 2018), and was therefore a candidate for classification through an automated scoring system. Utilizing variant allele frequency, disease prevalence and penetrance estimates, and inheritance mode, an automated score was calculated to assess if this variant is too frequent to cause the disease. Based on the score and internal cut-off values, a variant classified as benign is not then subjected to further curation. The score for this variant resulted in a classification of benign for this disease.